The following is an entry in ClinVar:

ClinVar aggregate classification (germline): Uncertain significance (1 of 4 stars; one submission).

Conditions:
Cardiovascular phenotype. Identifiers: MedGen CN230736.

Submission:

Ambry Genetics
Classification: Uncertain significance for Cardiovascular phenotype. Last evaluated: 2024-06-15. Review status: criteria provided, single submitter. Criteria: Ambry Variant Classification Scheme 2023. Collection method: clinical testing. Allele origin: germline.
Comment: The p.R1944S variant (also known as c.5832A>T), located in coding exon 38 of the ANK2 gene, results from an A to T substitution at nucleotide position 5832. The arginine at codon 1944 is replaced by serine, an amino acid with dissimilar properties. This amino acid position is conserved. In addition, this alteration is predicted to be tolerated by in silico analysis. Based on the available evidence, the clinical significance of this variant remains unclear.

NM_001148.6(ANK2):c.5832A>T (p.Arg1944Ser)

Genes: ANK2 (ankyrin 2; plus strand), LOC126807136 (MED14-independent group 3 enhancer GRCh37_chr4:114274931-114276130; plus strand). Cytogenetic location: 4q26.
Variant type: single nucleotide variant.
Coding change: c.5832A>T on transcript NM_001148.6 (MANE Select); coding-DNA position 5832, A replaced by T.
Protein change: p.Arg1944Ser; replaces arginine 1944 with serine.
Molecular consequence: missense variant. On other transcripts: intron variant (68).
Genome position (GRCh38, 1-based): chr4:113,354,450, A>T. VCF-style: chr4-113354450-A-T. GRCh37 (hg19) VCF-style: chr4-114275606-A-T.
Other names: c.5598A>T, p.Arg1866Ser (NM_001386142.1); c.2232A>T, p.Arg744Ser (NM_001386166.1); c.5973A>T, p.Arg1991Ser (NM_001386174.1); c.5949A>T, p.Arg1983Ser (NM_001386175.1); c.4411+4201A>T (NM_001386186.2, NM_001386148.2); c.4213+4201A>T (NM_001354269.3); c.4291+4201A>T (NM_001386187.2); c.4252+4201A>T (NM_001386147.1); and 35 more; short protein forms R1866S, R744S, R1983S, R1944S, R1991S.
Identifiers: ClinVar variation 3295072 (VCV003295072.1).